The following is an entry in ClinVar:

ClinVar aggregate classification (germline): Likely pathogenic (1 of 4 stars; one submission).

Conditions:
Autosomal recessive polycystic kidney disease (ARPKD). Also called: AR polycystic kidney disease. Identifiers: Orphanet 731, Orphanet 8378, MedGen C0085548, MeSH D017044, MONDO:0009889.

Submission:

Natera, Inc.
Classification: Likely pathogenic for Autosomal recessive polycystic kidney disease. Last evaluated: 2025-05-27. Review status: criteria provided, single submitter. Criteria: Natera Variant Classification Schema (03/2026). Collection method: clinical testing. Allele origin: germline.
Comment: The c.11786-4_11786-2delCCA variant in PKHD1 is a deletion affecting a canonical splice acceptor site. This variant is expected to result in nonsense mediated decay, truncation, or a dysfunctional protein product. This variant is rare in the general population with a frequency below the threshold expected for the associated phenotype(s). Given the available evidence, this variant is classified as Likely Pathogenic.

NM_138694.4(PKHD1):c.11786-4_11786-2del

Gene: PKHD1 (PKHD1 ciliary IPT domain containing fibrocystin/polyductin; minus strand). Cytogenetic location: 6p12.3.
Variant type: Deletion.
Coding change: c.11786-4_11786-2del on transcript NM_138694.4 (MANE Select); 4 bases into the intron before coding-DNA position 11786 through the canonical splice acceptor site of the intron before coding-DNA position 11786, 3 bases deleted (CCA; older notation c.11786-4_11786-2delCCA).
Molecular consequence: splice acceptor variant.
Genome position (GRCh38, 1-based): chr6:51,619,522-51,619,524, TGG deleted on the plus strand (CCA on the coding strand, the reverse complement: PKHD1 is on the minus strand). VCF-style (leftmost placement, unchanged base first): chr6-51619521-CTGG-C. GRCh37 (hg19) VCF-style: chr6-51484319-CTGG-C.
Identifiers: ClinVar variation 4816561 (VCV004816561.1).